The following is an entry in ClinVar:

NM_006759.4(UGP2):c.785A>G (p.Tyr262Cys)

Gene: UGP2 (UDP-glucose pyrophosphorylase 2; plus strand). Cytogenetic location: 2p15.
Variant type: single nucleotide variant.
Coding change: c.785A>G on transcript NM_006759.4 (MANE Select); coding-DNA position 785, A replaced by G.
Protein change: p.Tyr262Cys; replaces tyrosine 262 with cysteine.
Molecular consequence: missense variant.
Genome position (GRCh38, 1-based): chr2:63,885,798, A>G. VCF-style: chr2-63885798-A-G. GRCh37 (hg19) VCF-style: chr2-64112932-A-G.
Other names: c.752A>G, p.Tyr251Cys (NM_001001521.2, NM_001377524.1, NM_001377525.1); c.425A>G, p.Tyr142Cys (NM_001377526.1, NM_001377527.1, NM_001377528.1 and 1 more transcripts); short protein forms Y142C, Y251C, Y262C.
Identifiers: ClinVar variation 3054653 (VCV003054653.2), dbSNP rs146058060, ClinGen allele CA1683309.

ClinVar aggregate classification (germline): Likely benign (0 of 4 stars; one submission).

Conditions:
UGP2-related disorder. Also called: UGP2-related condition.

Allele frequency attached by ClinVar (database versions not stated): ESP Exome Variant Server 0.00008; gnomAD 0.00011; TOPMed 0.00012; 1000 Genomes Project 30x 0.00016; 1000 Genomes Project 0.00020; gnomAD exomes 0.00023; ExAC 0.00036.
gnomAD v4.1: 357 of 1,613,078 alleles (0.022%); highest among the groups gnomAD compares: South Asian, 0.21%; 1 homozygote.

Submission:

PreventionGenetics, part of Exact Sciences
Classification: Likely benign for UGP2-related condition. Last evaluated: 2023-02-22. Review status: no assertion criteria provided. Collection method: clinical testing. Allele origin: germline.
Comment: This variant is classified as likely benign based on ACMG/AMP sequence variant interpretation guidelines (Richards et al. 2015 PMID: 25741868, with internal and published modifications).